The following is an entry in ClinVar:

NM_004370.6(COL12A1):c.1456C>T (p.Arg486Trp)

Gene: COL12A1 (collagen type XII alpha 1 chain; minus strand). Cytogenetic location: 6q13.
Variant type: single nucleotide variant.
Coding change: c.1456C>T on transcript NM_004370.6 (MANE Select); coding-DNA position 1456, C replaced by T.
Protein change: p.Arg486Trp; replaces arginine 486 with tryptophan.
Molecular consequence: missense variant. On other transcripts: intron variant (1).
Genome position (GRCh38, 1-based): chr6:75,183,485, G>A on the plus strand (C>T on the coding strand, the complement: COL12A1 is on the minus strand). VCF-style: chr6-75183485-G-A. GRCh37 (hg19) VCF-style: chr6-75893201-G-A.
Other names: c.73+19235C>T (NM_080645.3); short protein forms R486W.
Identifiers: ClinVar variation 1005304 (VCV001005304.12), dbSNP rs371505180, ClinGen allele CA3894196.

ClinVar aggregate classification (germline): Uncertain significance (1 of 4 stars; one submission).

Conditions:
Bethlem myopathy 2 (BTHLM2). Identifiers: Orphanet 536516, Orphanet 610, MedGen C4225313, MONDO:0034022, OMIM 616471.
Ullrich congenital muscular dystrophy 1A. Also called: Intermediate COL6-RD; Ullrich congenital muscular dystrophy 1. Identifiers: Orphanet 75840, MedGen C0410179, MONDO:0009681, OMIM 254090.
Ullrich congenital muscular dystrophy 2 (UCMD2). Identifiers: Orphanet 75840, MedGen C4225314, MONDO:0014654, OMIM 616470.

Allele frequency attached by ClinVar (database versions not stated): gnomAD exomes below 0.00001 and 0.00001; gnomAD 0.00001 and 0.00002; ExAC 0.00002; TOPMed 0.00002; ESP Exome Variant Server 0.00017.

Submission:

Labcorp Genetics (formerly Invitae), Labcorp
Classification: Uncertain significance for Bethlem myopathy 2; Ullrich congenital muscular dystrophy 2. Last evaluated: 2024-04-17. Review status: criteria provided, single submitter. Criteria: Invitae Variant Classification Sherloc (09022015). Collection method: clinical testing. Allele origin: germline.
Comment: This sequence change replaces arginine, which is basic and polar, with tryptophan, which is neutral and slightly polar, at codon 486 of the COL12A1 protein (p.Arg486Trp). This variant is present in population databases (rs371505180, gnomAD 0.002%). This variant has not been reported in the literature in individuals affected with COL12A1-related conditions. ClinVar contains an entry for this variant (Variation ID: 1005304). Advanced modeling of protein sequence and biophysical properties (such as structural, functional, and spatial information, amino acid conservation, physicochemical variation, residue mobility, and thermodynamic stability) performed at Invitae indicates that this missense variant is not expected to disrupt COL12A1 protein function with a negative predictive value of 80%. In summary, the available evidence is currently insufficient to determine the role of this variant in disease. Therefore, it has been classified as a Variant of Uncertain Significance.